The following is an entry in ClinVar:

ClinVar aggregate classification (germline): Pathogenic (1 of 4 stars; one submission).

Conditions:
3-methylglutaconic aciduria type 5. Also called: CARDIOMYOPATHY, DILATED, WITH ATAXIA; MGA, TYPE V; 3 alpha methylglutaconic aciduria type V; MGA 5. Identifiers: Orphanet 66634, MedGen C1857776, MONDO:0012435, OMIM 610198.

Submission:

Labcorp Genetics (formerly Invitae), Labcorp
Classification: Pathogenic for 3-methylglutaconic aciduria type 5. Last evaluated: 2025-08-26. Review status: criteria provided, single submitter. Criteria: Invitae Variant Classification Sherloc (09022015). Collection method: clinical testing. Allele origin: germline.
Comment: This sequence change creates a premature translational stop signal (p.Leu10Profs*16) in the DNAJC19 gene. It is expected to result in an absent or disrupted protein product. Loss-of-function variants in DNAJC19 are known to be pathogenic (PMID: 16055927, 27928778). This variant is present in population databases (no rsID available, gnomAD 0.007%). This variant has not been reported in the literature in individuals affected with DNAJC19-related conditions. For these reasons, this variant has been classified as Pathogenic.

Literature cited by the submitters: PubMed 16055927; PubMed 27928778.

NM_145261.4(DNAJC19):c.29_32del (p.Leu10fs)

Gene: DNAJC19 (DnaJ heat shock protein family (Hsp40) member C19; minus strand). Cytogenetic location: 3q26.33.
Variant type: Deletion.
Coding change: c.29_32del on transcript NM_145261.4 (MANE Select); coding-DNA positions 29 to 32, 4 bases deleted (TGAC; older notation c.29_32delTGAC).
Protein change: p.Leu10fs; shifts the reading frame from leucine 10.
Molecular consequence: frameshift variant. On other transcripts: 5 prime UTR variant (1), non-coding transcript variant (2).
Genome position (GRCh38, 1-based): chr3:180,988,201-180,988,204, GTCA deleted on the plus strand (TGAC on the coding strand, the reverse complement: DNAJC19 is on the minus strand); deleting any 4 consecutive bases within chr3:180,988,201-180,988,207 gives the same sequence; the c. name uses the placement nearest the transcript's 3' end. VCF-style (leftmost placement, unchanged base first): chr3-180988200-GGTCA-G. GRCh37 (hg19) VCF-style: chr3-180705988-GGTCA-G.
Other names: c.-47_-44del (NM_001190233.2); short protein forms L10fs.
Identifiers: ClinVar variation 4760020 (VCV004760020.1).